The following is an entry in ClinVar:

NM_004539.4(NARS1):c.277_278del (p.Lys93fs)

Gene: NARS1 (asparaginyl-tRNA synthetase 1; minus strand). Cytogenetic location: 18q21.31.
Variant type: Deletion.
Coding change: c.277_278del on transcript NM_004539.4 (MANE Select); coding-DNA positions 277 to 278, 2 bases deleted (AA; older notation c.277_278delAA).
Protein change: p.Lys93fs; shifts the reading frame from lysine 93.
Molecular consequence: frameshift variant.
Genome position (GRCh38, 1-based): chr18:57,615,705-57,615,706, TT deleted on the plus strand (AA on the coding strand, the reverse complement: NARS1 is on the minus strand); deleting any 2 consecutive bases within chr18:57,615,705-57,615,708 gives the same sequence; the c. name uses the placement nearest the transcript's 3' end. VCF-style (leftmost placement, unchanged base first): chr18-57615704-CTT-C. GRCh37 (hg19) VCF-style: chr18-55282936-CTT-C.
Other names: c.277_278delAA (NM_004539.4); short protein forms K93fs.
Identifiers: ClinVar variation 4845747 (VCV004845747.1).

ClinVar aggregate classification (germline): Likely pathogenic (1 of 4 stars; one submission).

Conditions:
Neurodevelopmental disorder with microcephaly, impaired language, and gait abnormalities. Identifiers: MedGen C5436783, MONDO:0100348, OMIM 619091.

Submission:

First Genomix Gene Laboratory, Genetic Diagnostics Department
Classification: Likely pathogenic for Neurodevelopmental disorder with microcephaly, impaired language, and gait abnormalities. Last evaluated: 2025-01-10. Review status: criteria provided, single submitter. Criteria: ACMG Guidelines, 2015. Collection method: clinical testing. Allele origin: germline. Inheritance: Autosomal recessive inheritance. Affected: no. Observed: 1 variant allele.